The following is an entry in ClinVar:

NM_000089.4(COL1A2):c.1841C>A (p.Pro614His)

Gene: COL1A2 (collagen type I alpha 2 chain; plus strand). Cytogenetic location: 7q21.3.
Variant type: single nucleotide variant.
Coding change: c.1841C>A on transcript NM_000089.4 (MANE Select); coding-DNA position 1841, C replaced by A.
Protein change: p.Pro614His; replaces proline 614 with histidine.
Molecular consequence: missense variant.
Genome position (GRCh38, 1-based): chr7:94,416,481, C>A. VCF-style: chr7-94416481-C-A. GRCh37 (hg19) VCF-style: chr7-94045793-C-A.
Other names: p.Pro614His; short protein forms P614H.
Identifiers: ClinVar variation 3379780 (VCV003379780.3).

ClinVar aggregate classification (germline): Uncertain significance. Review status: criteria provided, multiple submitters, no conflicts (2 of 4 stars). 3 submissions from 3 submitters: Uncertain significance (3). Last evaluated 2025-09-10.

Conditions:
Cardiovascular phenotype. Identifiers: MedGen CN230736.
Ehlers-Danlos syndrome, classic type, 1 (EDSCL1). Also called: EHLERS-DANLOS SYNDROME, GRAVIS TYPE; EHLERS-DANLOS SYNDROME, SEVERE CLASSIC TYPE; Ehlers-Danlos syndrome, type 1; Ehlers-Danlos Syndrome, Classic Type, COL5A1-Related; EDS I. Identifiers: MedGen C0268335, MONDO:0019567, OMIM 130000.
Osteogenesis imperfecta type I (OI1). Also called: OI, TYPE I; OSTEOGENESIS IMPERFECTA TARDA; OSTEOGENESIS IMPERFECTA WITH BLUE SCLERAE; Osteogenesis imperfecta type 1; Lobstein's Disease; Lobstein disease. Identifiers: Orphanet 216796, Orphanet 666, MedGen C0023931, MONDO:0008146, OMIM 166200. Disease mechanism: loss of function.

gnomAD v4.1: 2 of 1,576,878 alleles (0.00013%); highest among the groups gnomAD compares: Non-Finnish European, 0.00017%; no homozygotes.

Submissions (3):

Labcorp Genetics (formerly Invitae), Labcorp
Classification: Uncertain significance for Osteogenesis imperfecta type I; Ehlers-Danlos syndrome, classic type, 1. Last evaluated: 2025-09-10. Review status: criteria provided, single submitter. Criteria: Invitae Variant Classification Sherloc (09022015). Collection method: clinical testing. Allele origin: germline.
Comment: This sequence change replaces proline, which is neutral and non-polar, with histidine, which is basic and polar, at codon 614 of the COL1A2 protein (p.Pro614His). This variant is not present in population databases (gnomAD no frequency). This variant has not been reported in the literature in individuals affected with COL1A2-related conditions. ClinVar contains an entry for this variant (Variation ID: 3379780). Invitae Evidence Modeling of protein sequence and biophysical properties (such as structural, functional, and spatial information, amino acid conservation, physicochemical variation, residue mobility, and thermodynamic stability) has been performed for this missense variant. However, the output from this modeling did not meet the statistical confidence thresholds required to predict the impact of this variant on COL1A2 protein function. In summary, the available evidence is currently insufficient to determine the role of this variant in disease. Therefore, it has been classified as a Variant of Uncertain Significance.

Ambry Genetics
Classification: Uncertain significance for Cardiovascular phenotype. Last evaluated: 2024-08-29. Review status: criteria provided, single submitter. Criteria: Ambry Variant Classification Scheme 2023. Collection method: clinical testing. Allele origin: germline.
Comment: The p.P614H variant (also known as c.1841C>A), located in coding exon 31 of the COL1A2 gene, results from a C to A substitution at nucleotide position 1841. The proline at codon 614 is replaced by histidine, an amino acid with similar properties. This amino acid position is well conserved in available vertebrate species. In addition, the in silico prediction for this alteration is inconclusive. Based on the available evidence, the clinical significance of this variant remains unclear.

Mayo Clinic Laboratories, Mayo Clinic
Classification: Uncertain significance. Last evaluated: 2024-08-27. Review status: criteria provided, single submitter. Criteria: ACMG Guidelines, 2015. Collection method: clinical testing. Allele origin: germline. Observed: 1 variant allele.
Comment: PM2